The following is an entry in ClinVar:

ClinVar aggregate classification (germline): Uncertain significance (1 of 4 stars; one submission).

Allele frequency attached by ClinVar (database versions not stated): gnomAD exomes below 0.00001; TOPMed 0.00001.

Submission:

Labcorp Genetics (formerly Invitae), Labcorp
Classification: Uncertain significance. Last evaluated: 2023-10-14. Review status: criteria provided, single submitter. Criteria: Invitae Variant Classification Sherloc (09022015). Collection method: clinical testing. Allele origin: germline.
Comment: This sequence change replaces phenylalanine, which is neutral and non-polar, with tyrosine, which is neutral and polar, at codon 311 of the TMC1 protein (p.Phe311Tyr). This variant is not present in population databases (gnomAD no frequency). This variant has not been reported in the literature in individuals affected with TMC1-related conditions. Advanced modeling of protein sequence and biophysical properties (such as structural, functional, and spatial information, amino acid conservation, physicochemical variation, residue mobility, and thermodynamic stability) has been performed at Invitae for this missense variant, however the output from this modeling did not meet the statistical confidence thresholds required to predict the impact of this variant on TMC1 protein function. In summary, the available evidence is currently insufficient to determine the role of this variant in disease. Therefore, it has been classified as a Variant of Uncertain Significance.

NM_138691.3(TMC1):c.932T>A (p.Phe311Tyr)

Gene: TMC1 (transmembrane channel like 1; plus strand). Cytogenetic location: 9q21.13.
Variant type: single nucleotide variant.
Coding change: c.932T>A on transcript NM_138691.3 (MANE Select); coding-DNA position 932, T replaced by A.
Protein change: p.Phe311Tyr; replaces phenylalanine 311 with tyrosine.
Molecular consequence: missense variant.
Genome position (GRCh38, 1-based): chr9:72,788,386, T>A. VCF-style: chr9-72788386-T-A. GRCh37 (hg19) VCF-style: chr9-75403302-T-A.
Other names: short protein forms F311Y.
Identifiers: ClinVar variation 3018274 (VCV003018274.1), dbSNP rs1026637921, ClinGen allele CA193299784.